The following is an entry in ClinVar:

NM_006563.5(KLF1):c.569C>G (p.Pro190Arg)

Genes: KLF1 (KLF transcription factor 1; minus strand), LOC130063673 (ATAC-STARR-seq lymphoblastoid silent region 10180; plus strand). Cytogenetic location: 19p13.13.
Variant type: single nucleotide variant.
Coding change: c.569C>G on transcript NM_006563.5 (MANE Select); coding-DNA position 569, C replaced by G.
Protein change: p.Pro190Arg; replaces proline 190 with arginine.
Molecular consequence: missense variant.
Genome position (GRCh38, 1-based): chr19:12,885,661, G>C on the plus strand (C>G on the coding strand, the complement: KLF1 is on the minus strand). VCF-style: chr19-12885661-G-C. GRCh37 (hg19) VCF-style: chr19-12996475-G-C.
Other names: short protein forms P190R.
Identifiers: ClinVar variation 4742353 (VCV004742353.1).

ClinVar aggregate classification (germline): Uncertain significance (1 of 4 stars; one submission).

Submission:

Labcorp Genetics (formerly Invitae), Labcorp
Classification: Uncertain significance. Last evaluated: 2025-07-01. Review status: criteria provided, single submitter. Criteria: Invitae Variant Classification Sherloc (09022015). Collection method: clinical testing. Allele origin: germline.
Comment: This sequence change replaces proline, which is neutral and non-polar, with arginine, which is basic and polar, at codon 190 of the KLF1 protein (p.Pro190Arg). This variant is not present in population databases (gnomAD no frequency). This variant has not been reported in the literature in individuals affected with KLF1-related conditions. Invitae Evidence Modeling of protein sequence and biophysical properties (such as structural, functional, and spatial information, amino acid conservation, physicochemical variation, residue mobility, and thermodynamic stability) indicates that this missense variant is expected to disrupt KLF1 protein function with a positive predictive value of 80%. In summary, the available evidence is currently insufficient to determine the role of this variant in disease. Therefore, it has been classified as a Variant of Uncertain Significance.